The following is an entry in ClinVar:

NM_001035.3(RYR2):c.14044G>A (p.Ala4682Thr)

Gene: RYR2 (ryanodine receptor 2; plus strand). Cytogenetic location: 1q43.
Variant type: single nucleotide variant.
Coding change: c.14044G>A on transcript NM_001035.3 (MANE Select); coding-DNA position 14044, G replaced by A.
Protein change: p.Ala4682Thr; replaces alanine 4682 with threonine.
Molecular consequence: missense variant.
Genome position (GRCh38, 1-based): chr1:237,798,124, G>A. VCF-style: chr1-237798124-G-A. GRCh37 (hg19) VCF-style: chr1-237961424-G-A.
Other names: short protein forms A4682T.
Identifiers: ClinVar variation 3436561 (VCV003436561.1).

ClinVar aggregate classification (germline): Uncertain significance (1 of 4 stars; one submission).

Conditions:
Cardiovascular phenotype. Identifiers: MedGen CN230736.

gnomAD v4.1: 2 of 1,612,082 alleles (0.00012%); highest among the groups gnomAD compares: Non-Finnish European, 0.00017%; no homozygotes.

Submission:

Ambry Genetics
Classification: Uncertain significance for Cardiovascular phenotype. Last evaluated: 2024-08-06. Review status: criteria provided, single submitter. Criteria: Ambry Variant Classification Scheme 2023. Collection method: clinical testing. Allele origin: germline.
Comment: The p.A4682T variant (also known as c.14044G>A), located in coding exon 97 of the RYR2 gene, results from a G to A substitution at nucleotide position 14044. The alanine at codon 4682 is replaced by threonine, an amino acid with similar properties. This amino acid position is well conserved in available vertebrate species. In addition, this alteration is predicted to be tolerated by in silico analysis. Based on the available evidence, the clinical significance of this variant remains unclear.